The following is an entry in ClinVar:

NM_000238.4(KCNH2):c.2510A>G (p.Asp837Gly)

Gene: KCNH2 (potassium voltage-gated channel subfamily H member 2; minus strand). Cytogenetic location: 7q36.1.
Variant type: single nucleotide variant.
Coding change: c.2510A>G on transcript NM_000238.4 (MANE Select); coding-DNA position 2510, A replaced by G.
Protein change: p.Asp837Gly; replaces aspartic acid 837 with glycine.
Molecular consequence: missense variant.
Genome position (GRCh38, 1-based): chr7:150,948,938, T>C on the plus strand (A>G on the coding strand, the complement: KCNH2 is on the minus strand). VCF-style: chr7-150948938-T-C. GRCh37 (hg19) VCF-style: chr7-150646026-T-C.
Other names: p.D837G:GAC>GGC; NM_000238.3(KCNH2):c.2510A>G(p.Asp837Gly); NM_172057.2(KCNH2):c.1490A>G(p.Asp497Gly); c.1490A>G, p.Asp497Gly (NM_172057.3); c.2510A>G (LRG_288t1); short protein forms D497G, D837G.
Identifiers: ClinVar variation 67407 (VCV000067407.26), dbSNP rs199473004, ClinGen allele CA006888.

ClinVar aggregate classification (germline): Pathogenic/Likely pathogenic. Review status: criteria provided, multiple submitters, no conflicts (2 of 4 stars). 10 submissions from 10 submitters: Pathogenic (2); Likely pathogenic (7). 1 of the submissions does not count toward it. Last evaluated 2026-07-31.

Conditions:
Cardiovascular phenotype. Identifiers: MedGen CN230736.
Cardiac arrhythmia. Also called: Arrhythmia; Cardiac rhythm disease. Identifiers: MedGen C0003811, MONDO:0007263, HP:0011675.
Familial long QT syndrome (RWS). Also called: Congenital long QT syndrome; Romano-Ward syndrome; VENTRICULAR FIBRILLATION WITH PROLONGED QT INTERVAL. Identifiers: Orphanet 768, MedGen C1141890, MONDO:0019171.
Long QT syndrome (LQTS). Identifiers: MedGen C0023976, MeSH D008133, MONDO:0002442. Disease mechanism: loss of function. Inheritance: Various modes of inheritance.
Long QT syndrome 2 (LQT2). Identifiers: Orphanet 101016, Orphanet 768, MedGen C3150943, MONDO:0013367, OMIM 613688.

Allele frequency attached by ClinVar (database versions not stated): gnomAD exomes below 0.00001.
gnomAD v4.1: 1 of 1,614,070 alleles (0.000062%); highest among the groups gnomAD compares: Non-Finnish European, 0.000085%; no homozygotes.

Submissions 1 to 5 of 10:

Ambry Genetics
Classification: Likely pathogenic for Cardiovascular phenotype. Last evaluated: 2026-07-31. Review status: criteria provided, single submitter. Criteria: Ambry Variant Classification Scheme 2023. Collection method: clinical testing. Allele origin: germline.
Comment: The p.D837G variant (also known as c.2510A>G), located in coding exon 10 of the KCNH2 gene, results from an A to G substitution at nucleotide position 2510. The aspartic acid at codon 837 is replaced by glycine, an amino acid with similar properties, and is located in the cyclic nucleotide binding region of the protein. This variant has been reported in individuals with long QT syndrome (Khositseth A et al. Heart Rhythm. 2004;1(1):60-4; Ambry internal data). Immunoblot data suggest that this variant is a protein trafficking deficient alteration (Anderson CL et al. Nat Commun. 2014;5:5535). This variant is considered to be rare based on population cohorts in the Genome Aggregation Database (gnomAD). This amino acid position is well conserved in available vertebrate species. In addition, this alteration is predicted to be deleterious by in silico analysis. Based on the majority of available evidence to date, this variant is likely to be pathogenic.

ARUP Laboratories, Molecular Genetics and Genomics, ARUP Laboratories
Classification: Likely pathogenic. Last evaluated: 2025-02-07. Review status: criteria provided, single submitter. Criteria: ARUP Molecular Germline Variant Investigation Process 2024. Collection method: clinical testing. Allele origin: germline.
Comment: The KCNH2 c.2510A>G; p.Asp837Gly variant (rs199473004, ClinVar Variation ID: 67407) is reported in the literature in several individuals affected with long QT syndrome (Lieve 2013, Migdalovich 2011, Mullally 2013, Partemi 2015, Tester 2005). This variant is absent from the Genome Aggregation Database (v2.1.1), indicating it is not a common polymorphism. Computational analyses predict that this variant is deleterious (REVEL: 0.959). Functional analyses of the variant protein show abnormal trafficking and gating (Anderson 2014). Additionally, other amino acid substitutions at this codon (Tyr, Asn, His) have been reported in individuals with long QT syndrome (Kapa 2009, Kapplinger 2009, Robyns 2017). Based on available information, this variant is considered to be likely pathogenic. References: Anderson CL et al. Large-scale mutational analysis of Kv11.1 reveals molecular insights into type 2 long QT syndrome. Nat Commun. 2014 Nov 24;5:5535. PMID: 25417810. Kapa S et al. Genetic testing for long-QT syndrome: distinguishing pathogenic mutations from benign variants. Circulation. 2009 Nov 3;120(18):1752-60. PMID: 19841300. Kapplinger JD et al. Spectrum and prevalence of mutations from the first 2,500 consecutive unrelated patients referred for the FAMILION long QT syndrome genetic test. Heart Rhythm. 2009 Sep;6(9):1297-303. PMID: 19716085. Lieve KV et al. Results of genetic testing in 855 consecutive unrelated patients referred for long QT syndrome in a clinical laboratory. Genet Test Mol Biomarkers. 2013 Jul;17(7):553-61. PMID: 23631430. Migdalovich D et al. Mutation and gender-specific risk in type 2 long QT syndrome: implications for risk stratification for life-threatening cardiac events in patients with long QT syndrome. Heart Rhythm. 2011 Oct;8(10):1537-43. PMID: 21440677. Mullally J et al. Risk of life-threatening cardiac events among patients with long QT syndrome and multiple mutations. Heart Rhythm. 2013 Mar;10(3):378-82. PMID: 23174487. Partemi S et al. Genetic and forensic implications in epilepsy and cardiac arrhythmias: a case series. Int J Legal Med. 2015 May;129(3):495-504. PMID: 25119684. Robyns T et al. Individualized corrected QT interval is superior to QT interval corrected using the Bazett formula in predicting mutation carriage in families with long QT syndrome. Heart Rhythm. 2017 Mar;14(3):376-382. PMID: 28212739. Tester DJ et al. Compendium of cardiac channel mutations in 541 consecutive unrelated patients referred for long QT syndrome genetic testing. Heart Rhythm. 2005 May;2(5):507-17. PMID: 15840476.

Labcorp Genetics (formerly Invitae), Labcorp
Classification: Pathogenic for Long QT syndrome. Last evaluated: 2024-10-18. Review status: criteria provided, single submitter. Criteria: Invitae Variant Classification Sherloc (09022015). Collection method: clinical testing. Allele origin: germline.
Comment: This sequence change replaces aspartic acid, which is acidic and polar, with glycine, which is neutral and non-polar, at codon 837 of the KCNH2 protein (p.Asp837Gly). This variant is not present in population databases (gnomAD no frequency). This missense change has been observed in individuals with clinical features of long QT syndrome (PMID: 21440677, 25119684; internal data). ClinVar contains an entry for this variant (Variation ID: 67407). An algorithm developed to predict the effect of missense changes on protein structure and function (PolyPhen-2) suggests that this variant is likely to be disruptive. Experimental studies have shown that this missense change affects KCNH2 function (PMID: 25417810). This variant disrupts the p.Asp837 amino acid residue in KCNH2. Other variant(s) that disrupt this residue have been determined to be pathogenic (PMID: 19841300, 26669661). This suggests that this residue is clinically significant, and that variants that disrupt this residue are likely to be disease-causing. For these reasons, this variant has been classified as Pathogenic.

Color Diagnostics, LLC DBA Color Health
Classification: Likely pathogenic for Cardiac arrhythmia. Last evaluated: 2024-01-30. Review status: criteria provided, single submitter. Criteria: ACMG Guidelines, 2015. Collection method: clinical testing. Allele origin: germline.
Comment: This missense variant replaces aspartic acid with glycine at codon 837 of the KCNH2 protein. This variant is found within the highly conserved C-terminal cytoplasmic cyclic nucleotide binding region (a.a. 742-842). Rare non-truncating variants in this region have been shown to be significantly overrepresented in individuals with long QT syndrome (PMID: 32893267). A functional study has shown that this variant causes deficient maturation and trafficking of KCNH2 protein to the cell surface in transfected HEK293 cells (PMID: 25417810). This variant has been reported in multiple individuals affected with or suspected of having long QT syndrome (PMID: 15851119, 20850565, 21440677, 23631430, 25119684, ClinVar SCV000543440.6). This variant has not been identified in the general population by the Genome Aggregation Database (gnomAD). Based on the available evidence, this variant is classified as Likely Pathogenic.

All of Us Research Program, National Institutes of Health
Classification: Likely pathogenic for Long QT syndrome. Last evaluated: 2023-11-08. Review status: criteria provided, single submitter. Criteria: ACMG Guidelines, 2015. Collection method: clinical testing. Allele origin: germline. Inheritance: Autosomal dominant inheritance. Observed: 1 variant allele, 1 heterozygote.
Comment: The c.2510A>G (p.Asp837Gly) variant in the KCNH2 gene is predicted to replace aspartic acid with glycine at codon 837 (p.Asp837Gly). This variant has been reported in multiple individuals with long QT syndrome (PMID: 21440677, 15851119, 25119684, 20850565, 23631430). Experimental analysis of the variant in cultured cell line proved the deficient protein trafficking and the negative functional impact (PMID: 25417810). Alternative variants disrupting the same amino acid (p.Asp837Asn, p.Asp837Tyr) have been interpreted as pathogenic/likely pathogenic (ClinVar ID: 67405, 67406). The variant is reported in ClinVar (ID: 67407). The variant is absent in the general population database (gnomAD). Computational prediction algorithms suggest a deleterious impact for this variant (REVEL score 0.959). Therefore, the c.2510A>G (p.Asp837Gly) variant of KCNH2 has been classified as likely pathogenic.

This study involves interpretation of variants in research participants for the purpose of population health screening. Participant phenotype was not available at the time of variant classification. Additional details can be found in publication PMID: 35346344, PMCID: PMC8962531